The following is an entry in ClinVar:

ClinVar aggregate classification (germline): Uncertain significance (1 of 4 stars; one submission).

Conditions:
Nemaline myopathy 2 (NEM2). Also called: Nemaline myopathy 2, autosomal recessive. Identifiers: MedGen C1850569, MONDO:0009725, OMIM 256030.

Allele frequency attached by ClinVar (database versions not stated): gnomAD exomes below 0.00001.
gnomAD v4.1: 1 of 1,613,964 alleles (0.000062%); highest among the groups gnomAD compares: Admixed American, 0.0017%; no homozygotes.

Submission:

Labcorp Genetics (formerly Invitae), Labcorp
Classification: Uncertain significance for Nemaline myopathy 2. Last evaluated: 2019-12-30. Review status: criteria provided, single submitter. Criteria: Invitae Variant Classification Sherloc (09022015). Collection method: clinical testing. Allele origin: germline.
Comment: In summary, the available evidence is currently insufficient to determine the role of this variant in disease. Therefore, it has been classified as a Variant of Uncertain Significance. Algorithms developed to predict the effect of missense changes on protein structure and function are either unavailable or do not agree on the potential impact of this missense change (SIFT: "Deleterious"; PolyPhen-2: "Not Available"; Align-GVGD: "Class C0"). This variant has not been reported in the literature in individuals with NEB-related conditions. This variant is not present in population databases (ExAC no frequency). This sequence change replaces lysine with glutamine at codon 6013 of the NEB protein (p.Lys6013Gln). The lysine residue is moderately conserved and there is a small physicochemical difference between lysine and glutamine.

NM_001164508.2(NEB):c.18037A>C (p.Lys6013Gln)

Gene: NEB (nebulin; minus strand). Cytogenetic location: 2q23.3.
Variant type: single nucleotide variant.
Coding change: c.18037A>C on transcript NM_001164508.2 (MANE Select); coding-DNA position 18037, A replaced by C.
Protein change: p.Lys6013Gln; replaces lysine 6013 with glutamine.
Molecular consequence: missense variant.
Genome position (GRCh38, 1-based): chr2:151,567,287, T>G on the plus strand (A>C on the coding strand, the complement: NEB is on the minus strand). VCF-style: chr2-151567287-T-G. GRCh37 (hg19) VCF-style: chr2-152423801-T-G.
Other names: c.18037A>C, p.Lys6013Gln (NM_001164507.2, NM_001271208.2); c.12934A>C, p.Lys4312Gln (NM_004543.5); short protein forms K4312Q, K6013Q.
Identifiers: ClinVar variation 854654 (VCV000854654.10), dbSNP rs2096448727, ClinGen allele CA348803338.